The following is an entry in ClinVar:

ClinVar aggregate classification (germline): Uncertain significance. Review status: criteria provided, multiple submitters, no conflicts (2 of 4 stars). 3 submissions from 3 submitters: Uncertain significance (3). Last evaluated 2026-01-08.

Conditions:
Hereditary cancer-predisposing syndrome. Also called: Neoplastic Syndromes, Hereditary; Tumor predisposition; Hereditary neoplastic syndrome; Hereditary Cancer Syndrome. Identifiers: Orphanet 140162, MedGen C0027672, MeSH D009386, MONDO:0015356.

Allele frequency attached by ClinVar (database versions not stated): TOPMed 0.00001; gnomAD 0.00001; gnomAD exomes 0.00001.
gnomAD v4.1: 8 of 1,593,602 alleles (0.0005%); highest among the groups gnomAD compares: Non-Finnish European, 0.00069%; no homozygotes.

Submissions (3):

Ambry Genetics
Classification: Uncertain significance for Hereditary cancer-predisposing syndrome. Last evaluated: 2026-01-08. Review status: criteria provided, single submitter. Criteria: Ambry Variant Classification Scheme 2023. Collection method: clinical testing. Allele origin: germline.
Comment: The p.E340V variant (also known as c.1019A>T), located in coding exon 10 of the POLE gene, results from an A to T substitution at nucleotide position 1019. The glutamic acid at codon 340 is replaced by valine, an amino acid with dissimilar properties. This amino acid position is highly conserved in available vertebrate species. In addition, this alteration is predicted to be deleterious by in silico analysis. Based on the available evidence, the clinical significance of this variant remains unclear.

Labcorp Genetics (formerly Invitae), Labcorp
Classification: Uncertain significance. Last evaluated: 2025-12-13. Review status: criteria provided, single submitter. Criteria: Invitae Variant Classification Sherloc (09022015). Collection method: clinical testing. Allele origin: germline.
Comment: This sequence change replaces glutamic acid, which is acidic and polar, with valine, which is neutral and non-polar, at codon 340 of the POLE protein (p.Glu340Val). This variant is not present in population databases (gnomAD no frequency). This variant has not been reported in the literature in individuals affected with POLE-related conditions. ClinVar contains an entry for this variant (Variation ID: 439260). An algorithm developed to predict the effect of missense changes on protein structure and function (PolyPhen-2) suggests that this variant is likely to be disruptive. RNA analysis performed to evaluate the impact of this missense change on mRNA splicing indicates it does not significantly alter splicing (internal data). In summary, the available evidence is currently insufficient to determine the role of this variant in disease. Therefore, it has been classified as a Variant of Uncertain Significance.

Quest Diagnostics Nichols Institute San Juan Capistrano
Classification: Uncertain significance. Last evaluated: 2017-06-16. Review status: criteria provided, single submitter. Criteria: Quest Diagnostics criteria. Collection method: clinical testing. Allele origin: germline.

NM_006231.4(POLE):c.1019A>T (p.Glu340Val)

Gene: POLE (DNA polymerase epsilon, catalytic subunit; minus strand). Cytogenetic location: 12q24.33.
Variant type: single nucleotide variant.
Coding change: c.1019A>T on transcript NM_006231.4 (MANE Select); coding-DNA position 1019, A replaced by T.
Protein change: p.Glu340Val; replaces glutamic acid 340 with valine.
Molecular consequence: missense variant.
Genome position (GRCh38, 1-based): chr12:132,676,095, T>A on the plus strand (A>T on the coding strand, the complement: POLE is on the minus strand). VCF-style: chr12-132676095-T-A. GRCh37 (hg19) VCF-style: chr12-133252681-T-A.
Other names: short protein forms E340V.
Identifiers: ClinVar variation 439260 (VCV000439260.18), dbSNP rs895236041, ClinGen allele CA246298753.